The following is an entry in ClinVar:

ClinVar aggregate classification (germline): Uncertain significance (1 of 4 stars; one submission).

gnomAD v4.1: 6 of 1,613,788 alleles (0.00037%); highest among the groups gnomAD compares: Non-Finnish European, 0.00051%; no homozygotes.

Submission:

Women's Health and Genetics/Laboratory Corporation of America, LabCorp
Classification: Uncertain significance. Last evaluated: 2024-06-10. Review status: criteria provided, single submitter. Criteria: LabCorp Variant Classification Summary - May 2015. Collection method: clinical testing. Allele origin: germline.
Comment: Variant summary: DOCK8 c.6217T>C (p.Phe2073Leu) results in a non-conservative amino acid change in the encoded protein sequence. Three of five in-silico tools predict a benign effect of the variant on protein function. The variant was absent in 247630 control chromosomes. The available data on variant occurrences in the general population are insufficient to allow any conclusion about variant significance. To our knowledge, no occurrence of c.6217T>C in individuals affected with Combined Immunodeficiency Due To DOCK8 Deficiency and no experimental evidence demonstrating its impact on protein function have been reported. No submitters have cited clinical-significance assessments for this variant to ClinVar. Based on the evidence outlined above, the variant was classified as uncertain significance.

NM_203447.4(DOCK8):c.6217T>C (p.Phe2073Leu)

Gene: DOCK8 (dedicator of cytokinesis 8; plus strand). Cytogenetic location: 9p24.3.
Variant type: single nucleotide variant.
Coding change: c.6217T>C on transcript NM_203447.4 (MANE Select); coding-DNA position 6217, T replaced by C.
Protein change: p.Phe2073Leu; replaces phenylalanine 2073 with leucine.
Molecular consequence: missense variant.
Genome position (GRCh38, 1-based): chr9:463,665, T>C. VCF-style: chr9-463665-T-C. GRCh37 (hg19) VCF-style: chr9-463665-T-C.
Other names: c.5917T>C, p.Phe1973Leu (NM_001190458.2); c.6013T>C, p.Phe2005Leu (NM_001193536.2); short protein forms F1973L, F2005L, F2073L.
Identifiers: ClinVar variation 3339644 (VCV003339644.1).